The following is an entry in ClinVar:

NM_000020.3(ACVRL1):c.177_180dup (p.Arg61fs)

Gene: ACVRL1 (activin A receptor like type 1; plus strand). Cytogenetic location: 12q13.13.
Variant type: Duplication.
Coding change: c.177_180dup on transcript NM_000020.3 (MANE Select); coding-DNA positions 177 to 180, 4 bases duplicated (GGGG; older notation c.177_180dupGGGG).
Protein change: p.Arg61fs; shifts the reading frame from arginine 61.
Molecular consequence: frameshift variant.
Genome position (GRCh38, 1-based): chr12:51,913,214-51,913,217, GGGG duplicated. VCF-style (leftmost placement, unchanged base first): chr12-51913213-A-AGGGG. GRCh37 (hg19) VCF-style: chr12-52306997-A-AGGGG.
Other names: c.177_180dup, p.Arg61fs (NM_001077401.2); c.177_180dup, p.Arg61Glyfs (NM_001406487.1, NM_001406488.1, NM_001406489.1 and 5 more transcripts); c.177_180dupGGGG (NM_000020.2); short protein forms R61fs.
Identifiers: ClinVar variation 1779775 (VCV001779775.4), dbSNP rs2540158607, ClinGen allele CA2580086437.
Genomic context (GRCh38, chr12:51,913,213, plus strand): 5'-CACATTGCAAGGGGCCTACCTGCCGGGGGGCCTGGTGCACAGTAGTGCTGGTGCGGGAGG[A>AGGGG]GGGGAGGCACCCCCAGGAACATCGGGGCTGCGGGAACTTGCACAGGGAGCTCTGCAGGGG-3'

ClinVar aggregate classification (germline): Pathogenic. Review status: criteria provided, multiple submitters, no conflicts (2 of 4 stars). 2 submissions from 2 submitters: Pathogenic (2). Last evaluated 2024-05-01.

Conditions:
Cardiovascular phenotype. Identifiers: MedGen CN230736.
Telangiectasia, hereditary hemorrhagic, type 2 (HHT2). Also called: ACVRL1-Related Hereditary Hemorrhagic Telangiectasia; Telangiectasia, hereditary hemorrhagic, type II. Identifiers: Orphanet 774, MedGen C1838163, MONDO:0010880, OMIM 600376. Disease mechanism: loss of function.

Submissions (2):

Labcorp Genetics (formerly Invitae), Labcorp
Classification: Pathogenic for Telangiectasia, hereditary hemorrhagic, type 2. Last evaluated: 2024-05-01. Review status: criteria provided, single submitter. Criteria: Invitae Variant Classification Sherloc (09022015). Collection method: clinical testing. Allele origin: germline.
Comment: This sequence change creates a premature translational stop signal (p.Arg61Glyfs*109) in the ACVRL1 gene. It is expected to result in an absent or disrupted protein product. Loss-of-function variants in ACVRL1 are known to be pathogenic (PMID: 15879500). This variant is not present in population databases (gnomAD no frequency). This variant has not been reported in the literature in individuals affected with ACVRL1-related conditions. ClinVar contains an entry for this variant (Variation ID: 1779775). For these reasons, this variant has been classified as Pathogenic.

Ambry Genetics
Classification: Pathogenic for Cardiovascular phenotype. Last evaluated: 2016-07-05. Review status: criteria provided, single submitter. Criteria: Ambry Variant Classification Scheme 2023. Collection method: clinical testing. Allele origin: germline.
Comment: The c.177_180dupGGGG pathogenic mutation, located in coding exon 2 of the ACVRL1 gene, results from a duplication of GGGG at nucleotide position 177, causing a translational frameshift with a predicted alternate stop codon (p.R61Gfs*109). This alteration is expected to result in loss of function by premature protein truncation or nonsense-mediated mRNA decay. As such, this alteration is interpreted as a disease-causing mutation.

Literature cited by the submitters: PubMed 15879500 (cited by Labcorp Genetics (formerly Invitae), Labcorp).